The following is an entry in ClinVar:

ClinVar aggregate classification (germline): Likely benign (1 of 4 stars; one submission).

gnomAD v4.1: 9,633 of 1,607,586 alleles (0.6%); highest among the groups gnomAD compares: Non-Finnish European, 0.72%; 46 homozygotes.

Submission:

CeGaT Center for Human Genetics Tuebingen
Classification: Likely benign. Last evaluated: 2026-09-01. Review status: criteria provided, single submitter. Criteria: CeGaT Center For Human Genetics Tuebingen Variant Classification Criteria Version 2. Collection method: clinical testing. Allele origin: germline. Affected: yes. Observed: 4 variant alleles.
Comment: MED16: BP4, BS2

NM_005481.3(MED16):c.2630C>T (p.Pro877Leu)

Gene: MED16 (mediator complex subunit 16; minus strand). Cytogenetic location: 19p13.3.
Variant type: single nucleotide variant.
Coding change: c.2630C>T on transcript NM_005481.3 (MANE Select); coding-DNA position 2630, C replaced by T.
Protein change: p.Pro877Leu; replaces proline 877 with leucine.
Molecular consequence: missense variant.
Genome position (GRCh38, 1-based): chr19:868,105, G>A on the plus strand (C>T on the coding strand, the complement: MED16 is on the minus strand). VCF-style: chr19-868105-G-A. GRCh37 (hg19) VCF-style: chr19-868105-G-A.
Other names: short protein forms P877L.
Identifiers: ClinVar variation 4872046 (VCV004872046.2).